The following is an entry in ClinVar:

NM_020779.4(WDR35):c.100G>A (p.Glu34Lys)

Gene: WDR35 (WD repeat domain 35; minus strand). Cytogenetic location: 2p24.1.
Variant type: single nucleotide variant.
Coding change: c.100G>A on transcript NM_020779.4 (MANE Select); coding-DNA position 100, G replaced by A.
Protein change: p.Glu34Lys; replaces glutamic acid 34 with lysine.
Molecular consequence: missense variant.
Genome position (GRCh38, 1-based): chr2:19,989,207, C>T on the plus strand (G>A on the coding strand, the complement: WDR35 is on the minus strand). VCF-style: chr2-19989207-C-T. GRCh37 (hg19) VCF-style: chr2-20188968-C-T.
Other names: c.100G>A, p.Glu34Lys (NM_001006657.2); short protein forms E34K.
Identifiers: ClinVar variation 1438890 (VCV001438890.8), dbSNP rs1572375239, ClinGen allele CA345948539.

ClinVar aggregate classification (germline): Uncertain significance (1 of 4 stars; one submission).

Conditions:
Short-rib thoracic dysplasia 7 with or without polydactyly (SRTD7). Also called: Short rib polydactyly syndrome 5; SHORT-RIB THORACIC DYSPLASIA 7 WITH POLYDACTYLY. Identifiers: Orphanet 498497, Orphanet 93271, MedGen C3279792, MONDO:0013569, OMIM 614091.
Cranioectodermal dysplasia 2 (CED2). Identifiers: Orphanet 1515, MedGen C3150874, MONDO:0013323, OMIM 613610.

Allele frequency attached by ClinVar (database versions not stated): gnomAD exomes below 0.00001.
gnomAD v4.1: 1 of 1,614,204 alleles (0.000062%); highest among the groups gnomAD compares: Non-Finnish European, 0.000085%; no homozygotes.

Submission:

Labcorp Genetics (formerly Invitae), Labcorp
Classification: Uncertain significance for Cranioectodermal dysplasia 2; Short-rib thoracic dysplasia 7 with or without polydactyly. Last evaluated: 2022-06-07. Review status: criteria provided, single submitter. Criteria: Invitae Variant Classification Sherloc (09022015). Collection method: clinical testing. Allele origin: germline.
Comment: This sequence change replaces glutamic acid, which is acidic and polar, with lysine, which is basic and polar, at codon 34 of the WDR35 protein (p.Glu34Lys). This variant is not present in population databases (gnomAD no frequency). This variant has not been reported in the literature in individuals affected with WDR35-related conditions. ClinVar contains an entry for this variant (Variation ID: 1438890). Algorithms developed to predict the effect of missense changes on protein structure and function (SIFT, PolyPhen-2, Align-GVGD) all suggest that this variant is likely to be tolerated. In summary, the available evidence is currently insufficient to determine the role of this variant in disease. Therefore, it has been classified as a Variant of Uncertain Significance.